The following is an entry in ClinVar:

NM_014391.3(ANKRD1):c.652-10A>T

Gene: ANKRD1 (ankyrin repeat domain 1; minus strand). Cytogenetic location: 10q23.31.
Variant type: single nucleotide variant.
Coding change: c.652-10A>T on transcript NM_014391.3 (MANE Select); 10 bases into the intron before coding-DNA position 652, A replaced by T.
Molecular consequence: intron variant.
Genome position (GRCh38, 1-based): chr10:90,915,890, T>A on the plus strand (A>T on the coding strand, the complement: ANKRD1 is on the minus strand). VCF-style: chr10-90915890-T-A. GRCh37 (hg19) VCF-style: chr10-92675647-T-A.
Identifiers: ClinVar variation 45636 (VCV000045636.20), dbSNP rs397517252, ClinGen allele CA136847.

ClinVar aggregate classification (germline): Conflicting classifications of pathogenicity. Review status: criteria provided, conflicting classifications (1 of 4 stars). 7 submissions from 7 submitters: Uncertain significance (1); Likely benign (3). 3 of the submissions do not count toward it. Last evaluated 2025-08-20.

Conditions:
ANKRD1-related disorder. Also called: ANKRD1-related condition.
Congenital total pulmonary venous return anomaly (TAPVR1). Also called: TOTAL ANOMALOUS PULMONARY VENOUS RETURN 1; Total anomalous pulmonary venous return. Identifiers: Orphanet 99125, MedGen C4551903, MONDO:0007130, OMIM 106700, HP:0005160.
ANKRD1-related dilated cardiomyopathy. Identifiers: MedGen CN119551.

Allele frequency attached by ClinVar (database versions not stated): gnomAD exomes 0.00011 and 0.00022; TOPMed 0.00022; gnomAD 0.00023; ExAC 0.00025; 1000 Genomes Project 0.00040.
gnomAD v4.1: 193 of 1,603,794 alleles (0.012%); highest among the groups gnomAD compares: African/African-American, 0.065%; no homozygotes.

Submissions (7):

Labcorp Genetics (formerly Invitae), Labcorp
Classification: Likely benign for ANKRD1-related dilated cardiomyopathy. Last evaluated: 2025-08-20. Review status: criteria provided, single submitter. Criteria: Invitae Variant Classification Sherloc (09022015). Collection method: clinical testing. Allele origin: germline.

GeneDx
Classification: Likely benign. Last evaluated: 2020-11-03. Review status: criteria provided, single submitter. Criteria: GeneDx Variant Classification Process June 2021. Collection method: clinical testing. Allele origin: germline. Affected: yes.

Clinical Genetics DNA and cytogenetics Diagnostics Lab, Erasmus MC, Erasmus Medical Center
Classification: Likely benign for Congenital total pulmonary venous return anomaly. Last evaluated: 2015-09-21. Review status: criteria provided, single submitter. Criteria: ACGS Guidelines, 2013. Collection method: clinical testing. Allele origin: germline. Affected: yes. Study: VKGL Data-share Consensus.

Laboratory for Molecular Medicine, Mass General Brigham Personalized Medicine
Classification: Uncertain significance. Last evaluated: 2012-11-19. Review status: criteria provided, single submitter. Criteria: LMM Criteria. Collection method: clinical testing. Allele origin: germline. Observed: 1 variant allele.
Comment: Variant classified as Uncertain Significance - Favor Benign. The 652-10A>T varia nt in ANKRD1 has not been reported in the literature nor previously identified b y our laboratory. This variant is located in the 3' splice region. Computational tools do not suggest an impact to splicing and this variant is closer to the co nsensus sequence than the wild-type, though this information is not predictive e nough to rule out pathogenicity. In summary, this variant is more likely benign based on its location and predicted impact on splicing, but additional studies a re needed to fully assess its clinical significance.

PreventionGenetics, part of Exact Sciences
Classification: Likely benign for ANKRD1-related condition. Last evaluated: 2019-07-16. Review status: no assertion criteria provided. Collection method: clinical testing. Allele origin: germline. Not counted in ClinVar's aggregate classification.
Comment: This variant is classified as likely benign based on ACMG/AMP sequence variant interpretation guidelines (Richards et al. 2015 PMID: 25741868, with internal and published modifications).

Clinical Genetics, Academic Medical Center
Classification: Benign. Review status: no assertion criteria provided. Collection method: clinical testing. Allele origin: germline. Affected: yes. Study: VKGL Data-share Consensus. Not counted in ClinVar's aggregate classification.

Diagnostic Laboratory, Department of Genetics, University Medical Center Groningen
Classification: Likely benign for Congenital total pulmonary venous return anomaly. Review status: no assertion criteria provided. Collection method: clinical testing. Allele origin: germline. Affected: yes. Study: VKGL Data-share Consensus. Not counted in ClinVar's aggregate classification.